The following is an entry in ClinVar:

ClinVar aggregate classification (germline): Pathogenic/Likely pathogenic. Review status: criteria provided, multiple submitters, no conflicts (2 of 4 stars). 3 submissions from 3 submitters: Pathogenic (1); Likely pathogenic (1). 1 of the submissions does not count toward it. Last evaluated 2024-04-11.

Conditions:
Mucolipidosis type II. Also called: ML II ALPHA/BETA; Mucolipidosis 2; ML 2; Inclusion cell disease; Leroy Disease; N-acetylglucosamine 1phosphotransferase deficiency. Identifiers: Orphanet 576, MedGen C2673377, MONDO:0009650, OMIM 252500.
Pseudo-Hurler polydystrophy. Also called: MUCOLIPIDOSIS IIIA; ML III; ML III ALPHA/BETA; Type III Mucolipidosis; ML IIIA; Mucolipidosis III Alpha/Beta. Identifiers: Orphanet 423461, Orphanet 577, MedGen C0033788, MONDO:0018931, OMIM 252600.
Mucolipidosis. Also called: Mucolipidoses. Identifiers: Orphanet 79212, MedGen C0026697, MONDO:0019248.

Submissions (3):

Fulgent Genetics
Classification: Likely pathogenic for Mucolipidosis type II; Pseudo-Hurler polydystrophy. Last evaluated: 2024-04-11. Review status: criteria provided, single submitter. Criteria: ACMG Guidelines, 2015. Collection method: clinical testing. Allele origin: germline.

Labcorp Genetics (formerly Invitae), Labcorp
Classification: Pathogenic for Pseudo-Hurler polydystrophy; Mucolipidosis type II. Last evaluated: 2022-09-03. Review status: criteria provided, single submitter. Criteria: Invitae Variant Classification Sherloc (09022015). Collection method: clinical testing. Allele origin: germline.
Comment: This sequence change affects an acceptor splice site in intron 1 of the GNPTAB gene. It is expected to disrupt RNA splicing. Variants that disrupt the donor or acceptor splice site typically lead to a loss of protein function (PMID: 16199547), and loss-of-function variants in GNPTAB are known to be pathogenic (PMID: 19617216, 25107912). This variant is not present in population databases (gnomAD no frequency). Disruption of this splice site has been observed in individuals with mucolipidosis II and III (PMID: 16630736, 27662472). ClinVar contains an entry for this variant (Variation ID: 1069206). Algorithms developed to predict the effect of sequence changes on RNA splicing suggest that this variant may disrupt the consensus splice site. For these reasons, this variant has been classified as Pathogenic.

Department of Genetics and Endocrinology, Guangzhou Women and Children’s Medical Center
Classification: Pathogenic for Mucolipidosis. Review status: no assertion criteria provided. Collection method: research. Allele origin: unknown. Affected: yes. Not counted in ClinVar's aggregate classification.

Literature cited by the submitters: PubMed 16199547 (cited by Labcorp Genetics (formerly Invitae), Labcorp); PubMed 19617216 (cited by Labcorp Genetics (formerly Invitae), Labcorp); PubMed 25107912 (cited by Labcorp Genetics (formerly Invitae), Labcorp); PubMed 16630736 (cited by Labcorp Genetics (formerly Invitae), Labcorp); PubMed 27662472 (cited by Labcorp Genetics (formerly Invitae), Labcorp).

NM_024312.5(GNPTAB):c.118-1G>A

Gene: GNPTAB (N-acetylglucosamine-1-phosphate transferase subunits alpha and beta; minus strand). Cytogenetic location: 12q23.2.
Variant type: single nucleotide variant.
Coding change: c.118-1G>A on transcript NM_024312.5 (MANE Select); the canonical splice acceptor site of the intron before coding-DNA position 118, G replaced by A.
Molecular consequence: splice acceptor variant.
Genome position (GRCh38, 1-based): chr12:101,796,763, C>T on the plus strand (G>A on the coding strand, the complement: GNPTAB is on the minus strand). VCF-style: chr12-101796763-C-T. GRCh37 (hg19) VCF-style: chr12-102190541-C-T.
Identifiers: ClinVar variation 1069206 (VCV001069206.13), dbSNP rs1301743166, ClinGen allele CA386305837.
Genomic context (GRCh38, chr12:101,796,763, plus strand): 5'-ATTGTCTCTATAGGAATCAAACAAAACATGGTATTGATCTCGGCTCCATTCCAGAACCAC[C>T]TAGAACAAAGAAAAAGAAACGTTTTCTTCGCATCAAAGACTAAGAGTATATAACTTTCAT-3'